The following is an entry in ClinVar:

NM_001145715.3(KPNA7):c.707A>T (p.Asp236Val)

Gene: KPNA7 (karyopherin subunit alpha 7; minus strand). Cytogenetic location: 7q22.1.
Variant type: single nucleotide variant.
Coding change: c.707A>T on transcript NM_001145715.3 (MANE Select); coding-DNA position 707, A replaced by T.
Protein change: p.Asp236Val; replaces aspartic acid 236 with valine.
Molecular consequence: missense variant.
Genome position (GRCh38, 1-based): chr7:99,188,493, T>A on the plus strand (A>T on the coding strand, the complement: KPNA7 is on the minus strand). VCF-style: chr7-99188493-T-A. GRCh37 (hg19) VCF-style: chr7-98786116-T-A.
Other names: short protein forms D236V.
Identifiers: ClinVar variation 1005834 (VCV001005834.7), dbSNP rs1222222998, ClinGen allele CA368419963.

ClinVar aggregate classification (germline): Uncertain significance (1 of 4 stars; one submission).

Allele frequency attached by ClinVar (database versions not stated): gnomAD exomes below 0.00001 and 0.00001; TOPMed below 0.00001.
gnomAD v4.1: 4 of 1,551,698 alleles (0.00026%); highest among the groups gnomAD compares: Admixed American, 0.0039%; no homozygotes.

Submission:

Labcorp Genetics (formerly Invitae), Labcorp
Classification: Uncertain significance. Last evaluated: 2022-05-30. Review status: criteria provided, single submitter. Criteria: Invitae Variant Classification Sherloc (09022015). Collection method: clinical testing. Allele origin: germline.
Comment: In summary, the available evidence is currently insufficient to determine the role of this variant in disease. Therefore, it has been classified as a Variant of Uncertain Significance. Algorithms developed to predict the effect of missense changes on protein structure and function output the following: SIFT: "Tolerated"; PolyPhen-2: "Benign"; Align-GVGD: "Class C0". The valine amino acid residue is found in multiple mammalian species, which suggests that this missense change does not adversely affect protein function. ClinVar contains an entry for this variant (Variation ID: 1005834). This variant has not been reported in the literature in individuals affected with KPNA7-related conditions. This variant is present in population databases (no rsID available, gnomAD 0.004%). This sequence change replaces aspartic acid, which is acidic and polar, with valine, which is neutral and non-polar, at codon 236 of the KPNA7 protein (p.Asp236Val).